The following is an entry in ClinVar:

NM_014727.3(KMT2B):c.673G>C (p.Gly225Arg)

Gene: KMT2B (lysine methyltransferase 2B; plus strand). Cytogenetic location: 19q13.12.
Variant type: single nucleotide variant.
Coding change: c.673G>C on transcript NM_014727.3 (MANE Select); coding-DNA position 673, G replaced by C.
Protein change: p.Gly225Arg; replaces glycine 225 with arginine.
Molecular consequence: missense variant.
Genome position (GRCh38, 1-based): chr19:35,720,020, G>C. VCF-style: chr19-35720020-G-C. GRCh37 (hg19) VCF-style: chr19-36210922-G-C.
Other names: short protein forms G225R.
Identifiers: ClinVar variation 2072392 (VCV002072392.4), dbSNP rs2513311995, ClinGen allele CA405380148.

ClinVar aggregate classification (germline): Uncertain significance (1 of 4 stars; one submission).

Submission:

Labcorp Genetics (formerly Invitae), Labcorp
Classification: Uncertain significance. Last evaluated: 2022-10-26. Review status: criteria provided, single submitter. Criteria: Invitae Variant Classification Sherloc (09022015). Collection method: clinical testing. Allele origin: germline.
Comment: In summary, the available evidence is currently insufficient to determine the role of this variant in disease. Therefore, it has been classified as a Variant of Uncertain Significance. Advanced modeling of protein sequence and biophysical properties (such as structural, functional, and spatial information, amino acid conservation, physicochemical variation, residue mobility, and thermodynamic stability) has been performed at Invitae for this missense variant, however the output from this modeling did not meet the statistical confidence thresholds required to predict the impact of this variant on KMT2B protein function. This missense change has been observed in at least one individual who was not affected with KMT2B-related conditions (Invitae). This variant has not been reported in the literature in individuals affected with KMT2B-related conditions. This variant is not present in population databases (gnomAD no frequency). This sequence change replaces glycine, which is neutral and non-polar, with arginine, which is basic and polar, at codon 225 of the KMT2B protein (p.Gly225Arg).